The following is an entry in ClinVar:

Conditions:
Breast-ovarian cancer, familial, susceptibility to, 1 (BROVCA1). Also called: BRCA1 Hereditary Breast and Ovarian Cancer; OVARIAN CANCER, SUSCEPTIBILITY TO. Identifiers: Orphanet 145, MedGen C2676676, MONDO:0011450, OMIM 604370. Disease mechanism: loss of function.

Submission:

Brotman Baty Institute, University of Washington
No classification provided (evidence only). Condition: Breast-ovarian cancer, familial 1. Review status: no classification provided. Collection method: in vitro. Allele origin: not applicable. Functional consequence: functionally_normal.
ClinVar note: "not provided" was previously submitted as the classification for the variant. However, the classification appeared to be based only on an observation of functional data so it was converted to no classification on 2025-07-30.

NM_007294.4(BRCA1):c.5357T>G (p.Leu1786Arg)

Gene: BRCA1 (BRCA1 DNA repair associated; minus strand). Cytogenetic location: 17q21.31.
Variant type: single nucleotide variant.
Coding change: c.5357T>G on transcript NM_007294.4 (MANE Select); coding-DNA position 5357, T replaced by G.
Protein change: p.Leu1786Arg; replaces leucine 1786 with arginine.
Molecular consequence: missense variant. On other transcripts: non-coding transcript variant (1), intron variant (1).
Genome position (GRCh38, 1-based): chr17:43,049,170, A>C on the plus strand (T>G on the coding strand, the complement: BRCA1 is on the minus strand). VCF-style: chr17-43049170-A-C. GRCh37 (hg19) VCF-style: chr17-41201187-A-C.
Other names: c.5144T>G, p.Leu1715Arg (NM_001407571.1, NM_001407894.1, NM_001407895.1 and 12 more transcripts); c.5423T>G, p.Leu1808Arg (NM_001407581.1, NM_001407582.1); c.5420T>G, p.Leu1807Arg (NM_001407583.1, NM_001407585.1, NM_001407587.1 and 1 more transcripts); c.5417T>G, p.Leu1806Arg (NM_001407590.1, NM_001407591.1); c.5357T>G, p.Leu1786Arg (NM_001407593.1, NM_001407594.1, NM_001407596.1 and 5 more transcripts); c.5354T>G, p.Leu1785Arg (NM_001407615.1, NM_001407616.1, NM_001407617.1 and 14 more transcripts); c.5351T>G, p.Leu1784Arg (NM_001407634.1, NM_001407635.1, NM_001407636.1 and 13 more transcripts); c.5276T>G, p.Leu1759Arg (NM_001407656.1, NM_001407657.1, NM_001407658.1); and 73 more; short protein forms L1739R, L1786R, L1807R, L682R, L1617R, L1632R, L1657R, L1673R.
Identifiers: ClinVar variation 865378 (VCV000865378.3), dbSNP rs398122697, ClinGen allele CA10590749.